The following is an entry in ClinVar:

ClinVar aggregate classification (germline): Uncertain significance. Review status: criteria provided, multiple submitters, no conflicts (2 of 4 stars). 2 submissions from 2 submitters: Uncertain significance (2). Last evaluated 2025-05-30.

Conditions:
Pitt-Hopkins-like syndrome 2 (PTHSL2). Identifiers: Orphanet 221150, Orphanet 600663, MedGen C3280479, MONDO:0013690, OMIM 614325.

Allele frequency attached by ClinVar (database versions not stated): gnomAD exomes below 0.00001 and 0.00001; TOPMed below 0.00001; ExAC 0.00002.
gnomAD v4.1: 12 of 1,613,918 alleles (0.00074%); highest among the groups gnomAD compares: East Asian, 0.011%; no homozygotes.

Submissions (2):

Labcorp Genetics (formerly Invitae), Labcorp
Classification: Uncertain significance for Pitt-Hopkins-like syndrome 2. Last evaluated: 2025-05-30. Review status: criteria provided, single submitter. Criteria: Invitae Variant Classification Sherloc (09022015). Collection method: clinical testing. Allele origin: germline.
Comment: This sequence change replaces arginine, which is basic and polar, with glutamine, which is neutral and polar, at codon 697 of the NRXN1 protein (p.Arg697Gln). This variant is present in population databases (rs781319797, gnomAD 0.006%). This variant has not been reported in the literature in individuals affected with NRXN1-related conditions. ClinVar contains an entry for this variant (Variation ID: 1191621). An algorithm developed to predict the effect of missense changes on protein structure and function (PolyPhen-2) suggests that this variant is likely to be disruptive. In summary, the available evidence is currently insufficient to determine the role of this variant in disease. Therefore, it has been classified as a Variant of Uncertain Significance.

GeneDx
Classification: Uncertain significance. Last evaluated: 2020-02-20. Review status: criteria provided, single submitter. Criteria: GeneDx Variant Classification Process June 2021. Collection method: clinical testing. Allele origin: germline. Affected: yes.
Comment: Reported in individual with juvenile absence epilepsy; however, variants in other genes were also identified, a second variant in NRXN1 was not identified, additional clinical information was not provided, and information regarding parental testing was not available (Lee et al., 2018); Not observed at a significant frequence in large population cohorts (Lek et al., 2016); In silico analysis supports that this missense variant has a deleterious effect on protein structure/function; This variant is associated with the following publications: (PMID: 29924869)

NM_001330078.2(NRXN1):c.1970G>A (p.Arg657Gln)

Gene: NRXN1 (neurexin 1; minus strand). Cytogenetic location: 2p16.3.
Variant type: single nucleotide variant.
Coding change: c.1970G>A on transcript NM_001330078.2 (MANE Select); coding-DNA position 1970, G replaced by A.
Protein change: p.Arg657Gln; replaces arginine 657 with glutamine.
Molecular consequence: missense variant.
Genome position (GRCh38, 1-based): chr2:50,538,426, C>T on the plus strand (G>A on the coding strand, the complement: NRXN1 is on the minus strand). VCF-style: chr2-50538426-C-T. GRCh37 (hg19) VCF-style: chr2-50765564-C-T.
Other names: c.2090G>A, p.Arg697Gln (NM_001135659.3); c.1946G>A, p.Arg649Gln (NM_001330077.2, NM_001330082.2, NM_001330095.2); c.1931G>A, p.Arg644Gln (NM_001330083.2, NM_001330084.2); c.1970G>A, p.Arg657Gln (NM_001330085.2, NM_001330086.2, NM_004801.6); c.1886G>A, p.Arg629Gln (NM_001330087.2, NM_001330096.2); c.1916G>A, p.Arg639Gln (NM_001330088.2); c.1967G>A, p.Arg656Gln (NM_001330093.2); c.1958G>A, p.Arg653Gln (NM_001330094.2); short protein forms R629Q, R639Q, R644Q, R649Q, R653Q, R656Q, R657Q, R697Q.
Identifiers: ClinVar variation 1191621 (VCV001191621.8), dbSNP rs781319797, ClinGen allele CA1654950.
Genomic context (GRCh38, chr2:50,538,426, plus strand): 5'-GCTGTTTCCTTTGAGCAGGAAGGCTTCACTCCAGCAGTACTTTGAACTTCAGCCATTTGC[C>T]GGATATCTTTGCTTTGGCCATCGATGAACAAATCCCTGATGCAGCCCACGTAGCCATAGT-3'
Protein context (NP_001317007.1, residues 647-667): LFIDGQSKDI[Arg657Gln]QMAEVQSTAG